The following is an entry in ClinVar:

NM_145207.3(AFG2A):c.1505C>T (p.Pro502Leu)

Gene: AFG2A (AAA ATPase AFG2A; plus strand). Cytogenetic location: 4q28.1.
Variant type: single nucleotide variant.
Coding change: c.1505C>T on transcript NM_145207.3 (MANE Select); coding-DNA position 1505, C replaced by T.
Protein change: p.Pro502Leu; replaces proline 502 with leucine.
Molecular consequence: missense variant.
Genome position (GRCh38, 1-based): chr4:122,947,279, C>T. VCF-style: chr4-122947279-C-T. GRCh37 (hg19) VCF-style: chr4-123868434-C-T.
Other names: c.1502C>T, p.Pro501Leu (NM_001317799.2, NM_001345856.2); c.1505C>T (NM_145207.2); short protein forms P501L, P502L.
Identifiers: ClinVar variation 1007666 (VCV001007666.4), dbSNP rs759111245, ClinGen allele CA3070479.
Genomic context (GRCh38, chr4:122,947,279, plus strand): 5'-TTTTATTTTGTTAGGAAGTAAGTGAAGGACAAGTGTTGGTTCTTGGGGCCACAAATCGCC[C>T]TCATGCCTTGGATGCTGCTCTCCGAAGACCTGGGCGATTTGATAAAGAGATTGAGATTGG-3'
Protein context (NP_660208.2, residues 492-512): QVLVLGATNR[Pro502Leu]HALDAALRRP

ClinVar aggregate classification (germline): Uncertain significance. Review status: criteria provided, multiple submitters, no conflicts (2 of 4 stars). 3 submissions from 3 submitters: Uncertain significance (3). Last evaluated 2026-08-18.

Conditions:
Microcephaly-intellectual disability-sensorineural hearing loss-epilepsy-abnormal muscle tone syndrome (NEDHSB). Also called: NEURODEVELOPMENTAL DISORDER WITH HEARING LOSS, SEIZURES, AND BRAIN ABNORMALITIES. Identifiers: Orphanet 457351, MedGen C4225276, MONDO:0014698, OMIM 616577.
Inborn genetic diseases. Identifiers: MedGen C0950123, MeSH D030342.
AFG2A-related disorder. Also called: AFG2A-related condition.

Allele frequency attached by ClinVar (database versions not stated): gnomAD 0.00001; TOPMed 0.00001; gnomAD exomes 0.00002; ExAC 0.00001.
gnomAD v4.1: 29 of 1,611,784 alleles (0.0018%); highest among the groups gnomAD compares: Middle Eastern, 0.016%; no homozygotes.

Submissions (3):

Ambry Genetics
Classification: Uncertain significance for Inborn genetic diseases. Last evaluated: 2026-08-18. Review status: criteria provided, single submitter. Criteria: Ambry Variant Classification Scheme 2023. Collection method: clinical testing. Allele origin: germline.
Comment: The c.1505C>T (p.P502L) alteration is located in exon 9 (coding exon 9) of the SPATA5 gene. This alteration results from a C to T substitution at nucleotide position 1505, causing the proline (P) at amino acid position 502 to be replaced by a leucine (L). Based on data from gnomAD, the T allele has an overall frequency of 0.002% (6/249578) total alleles studied. The highest observed frequency was 0.017% (1/6062) of Other alleles. Based on insufficient or conflicting evidence, the clinical significance of this alteration remains unclear.

PreventionGenetics, part of Exact Sciences
Classification: Uncertain significance for AFG2A-related condition. Last evaluated: 2022-11-15. Review status: criteria provided, single submitter. Criteria: ACMG Guidelines, 2015. Collection method: clinical testing. Allele origin: germline.
Comment: The AFG2A c.1505C>T variant is predicted to result in the amino acid substitution p.Pro502Leu. To our knowledge, this variant has not been reported in the literature. This variant is reported in 0.0099% of alleles in individuals of South Asian descent in gnomAD. At this time, the clinical significance of this variant is uncertain due to the absence of conclusive functional and genetic evidence.

Labcorp Genetics (formerly Invitae), Labcorp
Classification: Uncertain significance for Microcephaly-intellectual disability-sensorineural hearing loss-epilepsy-abnormal muscle tone syndrome. Last evaluated: 2022-09-07. Review status: criteria provided, single submitter. Criteria: Invitae Variant Classification Sherloc (09022015). Collection method: clinical testing. Allele origin: germline.
Comment: This sequence change replaces proline, which is neutral and non-polar, with leucine, which is neutral and non-polar, at codon 502 of the SPATA5 protein (p.Pro502Leu). This variant is present in population databases (rs759111245, gnomAD 0.01%). This variant has not been reported in the literature in individuals affected with SPATA5-related conditions. ClinVar contains an entry for this variant (Variation ID: 1007666). Algorithms developed to predict the effect of missense changes on protein structure and function (SIFT, PolyPhen-2, Align-GVGD) all suggest that this variant is likely to be disruptive. In summary, the available evidence is currently insufficient to determine the role of this variant in disease. Therefore, it has been classified as a Variant of Uncertain Significance.